The following is an entry in ClinVar:

ClinVar aggregate classification (germline): Pathogenic (1 of 4 stars; one submission).

Conditions:
Deficiency of ferroxidase (ACEP). Also called: Aceruloplasminemia; Ceruloplasmin deficiency; Familial apoceruloplasmin deficiency; Hereditary ceruloplasmin deficiency; Deficiency of ceruloplasmin; NEURODEGENERATION WITH BRAIN IRON ACCUMULATION 10. Identifiers: Orphanet 48818, MedGen C0878682, MONDO:0011426, OMIM 604290, HP:0025498.

Submission:

Labcorp Genetics (formerly Invitae), Labcorp
Classification: Pathogenic for Deficiency of ferroxidase. Last evaluated: 2017-11-10. Review status: criteria provided, single submitter. Criteria: Invitae Variant Classification Sherloc (09022015). Collection method: clinical testing. Allele origin: germline.
Comment: For these reasons, this variant has been classified as Pathogenic. Loss-of-function variants in CP are known to be pathogenic (PMID: 16629161). This variant has not been reported in the literature in individuals with CP-related disease. This variant is not present in population databases (ExAC no frequency). This sequence change creates a premature translational stop signal (p.Arg902Lysfs*23) in the CP gene. It is expected to result in an absent or disrupted protein product.

Literature cited by the submitters: PubMed 16629161.

NM_000096.4(CP):c.2702dup (p.Arg902fs)

Gene: CP (ceruloplasmin; minus strand). Cytogenetic location: 3q24.
Variant type: Duplication.
Coding change: c.2702dup on transcript NM_000096.4 (MANE Select); coding-DNA position 2702, one base duplicated (G; older notation c.2702dupG).
Protein change: p.Arg902fs; shifts the reading frame from arginine 902.
Molecular consequence: frameshift variant. On other transcripts: non-coding transcript variant (1).
Genome position (GRCh38, 1-based): chr3:149,178,591, C duplicated on the plus strand (G on the coding strand, the reverse complement: CP is on the minus strand). VCF-style (leftmost placement, unchanged base first): chr3-149178590-T-TC. GRCh37 (hg19) VCF-style: chr3-148896377-T-TC.
Other names: c.2702dupG (NM_000096.3); short protein forms R902fs.
Identifiers: ClinVar variation 582988 (VCV000582988.6), dbSNP rs1559935542, ClinGen allele CA891842686.